The following is an entry in ClinVar:

ClinVar aggregate classification (germline): Benign. Review status: criteria provided, multiple submitters, no conflicts (2 of 4 stars). 4 submissions from 4 submitters: Benign (2). 2 of the submissions do not count toward it. Last evaluated 2019-03-25.

Allele frequency attached by ClinVar (database versions not stated): 1000 Genomes Project 0.03474; gnomAD 0.03530 and 0.03828; 1000 Genomes Project 30x 0.03841; TOPMed 0.03960; ESP Exome Variant Server 0.04283.
gnomAD v4.1: 10,524 of 1,613,846 alleles (0.65%); highest among the groups gnomAD compares: African/African-American, 12%; 596 homozygotes.

Submissions (4):

Athena Diagnostics
Classification: Benign. Last evaluated: 2019-03-25. Review status: criteria provided, single submitter. Criteria: Athena Diagnostics Criteria. Collection method: clinical testing. Allele origin: germline.

GeneDx
Classification: Benign. Last evaluated: 2018-06-16. Review status: criteria provided, single submitter. Criteria: GeneDx Variant Classification (06012015). Collection method: clinical testing. Allele origin: germline. Affected: yes.
Comment: This variant is considered likely benign or benign based on one or more of the following criteria: it is a conservative change, it occurs at a poorly conserved position in the protein, it is predicted to be benign by multiple in silico algorithms, and/or has population frequency not consistent with disease.

Clinical Genetics DNA and cytogenetics Diagnostics Lab, Erasmus MC, Erasmus Medical Center
Classification: Benign. Review status: no assertion criteria provided. Collection method: clinical testing. Allele origin: germline. Affected: yes. Study: VKGL Data-share Consensus. Not counted in ClinVar's aggregate classification.

Genome Diagnostics Laboratory, University Medical Center Utrecht
Classification: Benign. Review status: no assertion criteria provided. Collection method: clinical testing. Allele origin: germline. Affected: yes. Study: VKGL Data-share Consensus. Not counted in ClinVar's aggregate classification.

NM_182961.4(SYNE1):c.11861G>C (p.Ser3954Thr)

Gene: SYNE1 (spectrin repeat containing nuclear envelope protein 1; minus strand). Cytogenetic location: 6q25.2.
Variant type: single nucleotide variant.
Coding change: c.11861G>C on transcript NM_182961.4 (MANE Select); coding-DNA position 11861, G replaced by C.
Protein change: p.Ser3954Thr; replaces serine 3954 with threonine.
Molecular consequence: missense variant. On other transcripts: intron variant (1).
Genome position (GRCh38, 1-based): chr6:152,350,208, C>G on the plus strand (G>C on the coding strand, the complement: SYNE1 is on the minus strand). VCF-style: chr6-152350208-C-G. GRCh37 (hg19) VCF-style: chr6-152671343-C-G.
Other names: c.11688+410G>C (NM_033071.5); short protein forms S3954T.
Identifiers: ClinVar variation 674408 (VCV000674408.4), dbSNP rs7775119, ClinGen allele CA4056564.